The following is an entry in ClinVar:

ClinVar aggregate classification (germline): Uncertain significance (1 of 4 stars; one submission).

Conditions:
Cardiovascular phenotype. Identifiers: MedGen CN230736.

gnomAD v4.1: 1 of 1,613,094 alleles (0.000062%); highest among the groups gnomAD compares: Non-Finnish European, 0.000085%; no homozygotes.

Submission:

Ambry Genetics
Classification: Uncertain significance for Cardiovascular phenotype. Last evaluated: 2025-05-20. Review status: criteria provided, single submitter. Criteria: Ambry Variant Classification Scheme 2023. Collection method: clinical testing. Allele origin: germline.
Comment: The p.P142S variant (also known as c.424C>T), located in coding exon 4 of the TBX5 gene, results from a C to T substitution at nucleotide position 424. The proline at codon 142 is replaced by serine, an amino acid with similar properties. This amino acid position is highly conserved in available vertebrate species. In addition, this alteration is predicted to be deleterious by in silico analysis. Based on the available evidence, the clinical significance of this variant remains unclear.

NM_181486.4(TBX5):c.424C>T (p.Pro142Ser)

Gene: TBX5 (T-box transcription factor 5; minus strand). Cytogenetic location: 12q24.21.
Variant type: single nucleotide variant.
Coding change: c.424C>T on transcript NM_181486.4 (MANE Select); coding-DNA position 424, C replaced by T.
Protein change: p.Pro142Ser; replaces proline 142 with serine.
Molecular consequence: missense variant.
Genome position (GRCh38, 1-based): chr12:114,398,659, G>A on the plus strand (C>T on the coding strand, the complement: TBX5 is on the minus strand). VCF-style: chr12-114398659-G-A. GRCh37 (hg19) VCF-style: chr12-114836464-G-A.
Other names: c.424C>T, p.Pro142Ser (NM_000192.3); c.274C>T, p.Pro92Ser (NM_080717.4); short protein forms P142S, P92S.
Identifiers: ClinVar variation 3966307 (VCV003966307.1).